The following is an entry in ClinVar:

NM_052845.4(MMAB):c.*1005A>G

Gene: MMAB (metabolism of cobalamin associated B; minus strand). Cytogenetic location: 12q24.11.
Variant type: single nucleotide variant.
Coding change: c.*1005A>G on transcript NM_052845.4 (MANE Select); 1005 bases downstream of the stop codon, A replaced by G.
Molecular consequence: 3 prime UTR variant. On other transcripts: non-coding transcript variant (1).
Genome position (GRCh38, 1-based): chr12:109,556,023, T>C on the plus strand (A>G on the coding strand, the complement: MMAB is on the minus strand). VCF-style: chr12-109556023-T-C. GRCh37 (hg19) VCF-style: chr12-109993828-T-C.
Identifiers: ClinVar variation 307044 (VCV000307044.6), dbSNP rs67432283, ClinGen allele CA6778647.

ClinVar aggregate classification (germline): Benign. Review status: criteria provided, multiple submitters, no conflicts (2 of 4 stars). 2 submissions from 2 submitters: Benign (2). Last evaluated 2018-01-13.

Conditions:
Methylmalonic aciduria, cblB type (MACB). Also called: Vitamin B12-responsive methylmalonic acidemia type cblB; METHYLMALONIC ACIDURIA, VITAMIN B12-RESPONSIVE, DUE TO DEFECT IN SYNTHESIS OF ADENOSYLCOBALAMIN, cblB TYPE; Methylmalonic acidemia cblB type. Identifiers: Orphanet 28, Orphanet 79311, MedGen C1855102, MONDO:0009614, OMIM 251110.

Allele frequency attached by ClinVar (database versions not stated): 1000 Genomes Project 30x 0.02545; TOPMed 0.05064; gnomAD 0.05428 and 0.05296; ExAC 0.05225; gnomAD exomes 0.05442 and 0.06379; 1000 Genomes Project 0.02676.
gnomAD v4.1: 27,374 of 453,960 alleles (6%); highest among the groups gnomAD compares: Middle Eastern, 8.9%; 1,043 homozygotes.

Submissions (2):

Illumina Laboratory Services, Illumina
Classification: Benign for Methylmalonic aciduria, cblB type. Last evaluated: 2018-01-13. Review status: criteria provided, single submitter. Criteria: ICSL Variant Classification Criteria 13 December 2019. Collection method: clinical testing. Allele origin: germline.
Comment: This variant was observed in the ICSL laboratory as part of a predisposition screen in an ostensibly healthy population. It had not been previously curated by ICSL or reported in the Human Gene Mutation Database (HGMD: prior to June 1st, 2018), and was therefore a candidate for classification through an automated scoring system. Utilizing variant allele frequency, disease prevalence and penetrance estimates, and inheritance mode, an automated score was calculated to assess if this variant is too frequent to cause the disease. Based on the score and internal cut-off values, a variant classified as benign is not then subjected to further curation. The score for this variant resulted in a classification of benign for this disease.

Breakthrough Genomics
Classification: Benign. Review status: criteria provided, single submitter. Criteria: ACMG Guidelines, 2015. Collection method: not provided. Allele origin: germline. Inheritance: Autosomal recessive inheritance. Affected: yes.